The following is an entry in ClinVar:

NM_001111125.3(IQSEC2):c.4002T>A (p.Tyr1334Ter)

Gene: IQSEC2 (IQ motif and Sec7 domain ArfGEF 2; minus strand). Cytogenetic location: Xp11.22.
Variant type: single nucleotide variant.
Coding change: c.4002T>A on transcript NM_001111125.3 (MANE Select); coding-DNA position 4002, T replaced by A.
Protein change: p.Tyr1334Ter; replaces tyrosine 1334 with a stop codon.
Molecular consequence: nonsense. On other transcripts: 3 prime UTR variant (1).
Genome position (GRCh38, 1-based): chrX:53,234,684, A>T on the plus strand (T>A on the coding strand, the complement: IQSEC2 is on the minus strand). VCF-style: chrX-53234684-A-T. GRCh37 (hg19) VCF-style: chrX-53263866-A-T.
Other names: c.*487T>A (NM_001410736.1, NM_015075.2); short protein forms Y1334*.
Identifiers: ClinVar variation 1736951 (VCV001736951.2), dbSNP rs2519670710, ClinGen allele CA413139860.

ClinVar aggregate classification (germline): Likely pathogenic (1 of 4 stars; one submission).

Conditions:
Inborn genetic diseases. Identifiers: MedGen C0950123, MeSH D030342.

Submission:

Ambry Genetics
Classification: Likely pathogenic for Inborn genetic diseases. Last evaluated: 2018-09-05. Review status: criteria provided, single submitter. Criteria: Ambry Variant Classification Scheme 2023. Collection method: clinical testing. Allele origin: germline.
Comment: The p.Y1334* variant (also known as c.4002T>A), located in coding exon 15 of the IQSEC2 gene, results from a T to A substitution at nucleotide position 4002. This changes the amino acid from a tyrosine to a stop codon within coding exon 15. Premature stop codons are typically deleterious in nature, however, this stop codon occurs at the 3' terminus of IQSEC2 and is not expected to trigger nonsense-mediated mRNA decay. This variant impacts the last 200 amino acids of the protein. This alteration abolishes important protein-protein interactions and eliminates the PDZ binding motif (Ambry internal data; Ramage R et al. Biochem. J., 1994 Apr;299 ( Pt 1):151-8; Brown JC et al. Nat Commun, 2016 Mar;7:11080). Based on the majority of available evidence to date, this variant is likely to be pathogenic.

Literature cited by the submitters: PubMed 27009485; PubMed 8166633.